The following is an entry in ClinVar:

NC_000010.10:g.(?_67829056)_(67829257_?)del

Gene: CTNNA3 (catenin alpha 3; minus strand). Cytogenetic location: 10q21.3.
Variant type: Deletion.
Identifiers: ClinVar variation 1064249 (VCV001064249.5).

ClinVar aggregate classification (germline): Uncertain significance (1 of 4 stars; one submission).

Conditions:
Arrhythmogenic right ventricular dysplasia 13. Also called: ARRHYTHMOGENIC RIGHT VENTRICULAR CARDIOMYOPATHY 13; Arrhythmogenic right ventricular dysplasia, familial, 13. Identifiers: MedGen C3810138, MONDO:0000908, OMIM 615616.

Submission:

Labcorp Genetics (formerly Invitae), Labcorp
Classification: Uncertain significance for Arrhythmogenic right ventricular dysplasia 13. Last evaluated: 2022-11-15. Review status: criteria provided, single submitter. Criteria: Invitae Variant Classification Sherloc (09022015). Collection method: clinical testing. Allele origin: germline.
Comment: In summary, the available evidence is currently insufficient to determine the role of this variant in disease. Therefore, it has been classified as a Variant of Uncertain Significance. This variant has not been reported in the literature in individuals affected with CTNNA3-related conditions. This variant is a gross deletion of the genomic region encompassing exon(s) 15 of the CTNNA3 gene. This deletion is out-of-frame, and is expected to create a premature translational stop signal and result in an absent or disrupted protein product. However, the current clinical and genetic evidence is not sufficient to establish whether loss-of-function variants in CTNNA3 cause disease.